The following is an entry in ClinVar:

ClinVar aggregate classification (germline): Benign/Likely benign. Review status: criteria provided, multiple submitters, no conflicts (2 of 4 stars). 15 submissions from 15 submitters: Benign (9); Likely benign (1). 5 of the submissions do not count toward it. Last evaluated 2026-02-03.

Conditions:
Episodic ataxia type 2 (EA2). Also called: ACETAZOLAMIDE-RESPONSIVE HEREDITARY PAROXYSMAL CEREBELLAR ATAXIA; EPISODIC ATAXIA, NYSTAGMUS-ASSOCIATED; ATAXIA, EPISODIC, WITH NYSTAGMUS; ATAXIA, FAMILIAL PAROXYSMAL; CEREBELLAR ATAXIA, PAROXYSMAL, ACETAZOLAMIDE-RESPONSIVE; CEREBELLOPATHY, HEREDITARY PAROXYSMAL. Identifiers: Orphanet 97, MedGen C1720416, MONDO:0007163, OMIM 108500.
Developmental and epileptic encephalopathy, 42 (DEE42A). Also called: Epileptic encephalopathy, early infantile, 42; DEVELOPMENTAL AND EPILEPTIC ENCEPHALOPATHY 42A; EPILEPTIC ENCEPHALOPATHY, EARLY INFANTILE, 42A. Identifiers: MedGen C4310716, MONDO:0014917, OMIM 617106.
Inborn genetic diseases. Identifiers: MedGen C0950123, MeSH D030342.

Allele frequency attached by ClinVar (database versions not stated): ESP Exome Variant Server 0.12352; 1000 Genomes Project 0.12380; 1000 Genomes Project 30x 0.13023; gnomAD exomes 0.13266 and 0.14403; gnomAD 0.14050 and 0.14118; ExAC 0.14147; TOPMed 0.14299.
gnomAD v4.1: 222,088 of 1,542,382 alleles (14%); highest among the groups gnomAD compares: Middle Eastern, 20%; 16,527 homozygotes.

Submissions (15):

Labcorp Genetics (formerly Invitae), Labcorp
Classification: Benign for Developmental and epileptic encephalopathy, 42; Episodic ataxia type 2. Last evaluated: 2026-02-03. Review status: criteria provided, single submitter. Criteria: Invitae Variant Classification Sherloc (09022015). Collection method: clinical testing. Allele origin: germline.

Blueprint Genetics
Classification: Likely benign. Last evaluated: 2024-11-28. Review status: criteria provided, single submitter. Criteria: ACMG Guidelines, 2015. Collection method: clinical testing. Allele origin: germline.

Unidad de Genómica Garrahan, Hospital de Pediatría Garrahan
Classification: Benign. Last evaluated: 2024-07-15. Review status: criteria provided, single submitter. Criteria: ACMG Guidelines, 2015. Collection method: clinical testing. Allele origin: germline. Affected: no. Observed: 28 variant alleles.
Comment: This variant is classified as Benign based on local population frequency. This variant was detected in 30% of patients studied in a panel designed for Epileptic and Developmental Encephalopathy and Progressive Myoclonus Epilepsy. Number of patients: 28. Only high quality variants are reported.

Mayo Clinic Laboratories, Mayo Clinic
Classification: Benign. Last evaluated: 2022-03-24. Review status: criteria provided, single submitter. Criteria: ACMG Guidelines, 2015. Collection method: clinical testing. Allele origin: germline. Observed: 333 variant alleles.

Athena Diagnostics
Classification: Benign. Last evaluated: 2021-05-03. Review status: criteria provided, single submitter. Criteria: Athena Diagnostics criteria. Collection method: clinical testing. Allele origin: unknown.

Ambry Genetics
Classification: Benign for Inborn genetic diseases. Last evaluated: 2016-03-11. Review status: criteria provided, single submitter. Criteria: Ambry Variant Classification Scheme 2023. Collection method: clinical testing. Allele origin: germline.

GeneDx
Classification: Benign. Last evaluated: 2016-01-08. Review status: criteria provided, single submitter. Criteria: GeneDx Variant Classification (06012015). Collection method: clinical testing. Allele origin: germline. Affected: yes.
Comment: This variant is considered likely benign or benign based on one or more of the following criteria: it is a conservative change, it occurs at a poorly conserved position in the protein, it is predicted to be benign by multiple in silico algorithms, and/or has population frequency not consistent with disease.

Eurofins Ntd Llc (ga)
Classification: Benign. Last evaluated: 2014-03-18. Review status: criteria provided, single submitter. Criteria: EGL Classification Definitions 2015. Collection method: clinical testing. Allele origin: germline. Observed: 6 variant alleles, 5 heterozygotes, 1 homozygote.

Breakthrough Genomics
Classification: Benign. Review status: criteria provided, single submitter. Criteria: ACMG Guidelines, 2015. Collection method: not provided. Allele origin: germline. Inheritance: Autosomal dominant inheritance. Affected: yes.

PreventionGenetics, part of Exact Sciences
Classification: Benign. Review status: criteria provided, single submitter. Criteria: ACMG Guidelines, 2015. Collection method: clinical testing. Allele origin: germline.

Clinical Genetics DNA and cytogenetics Diagnostics Lab, Erasmus MC, Erasmus Medical Center
Classification: Benign. Review status: no assertion criteria provided. Collection method: clinical testing. Allele origin: germline. Affected: yes. Study: VKGL Data-share Consensus. Not counted in ClinVar's aggregate classification.

Diagnostic Laboratory, Department of Genetics, University Medical Center Groningen
Classification: Benign. Review status: no assertion criteria provided. Collection method: clinical testing. Allele origin: germline. Affected: yes. Study: VKGL Data-share Consensus. Not counted in ClinVar's aggregate classification.

Genetic Services Laboratory, University of Chicago
Classification: Likely benign for AllHighlyPenetrant. Review status: no assertion criteria provided. Collection method: clinical testing. Allele origin: germline. Inheritance: Autosomal dominant inheritance. Not counted in ClinVar's aggregate classification.
Comment: Likely benign based on allele frequency in 1000 Genomes Project or ESP global frequency and its presence in a patient with a rare or unrelated disease phenotype. NOT Sanger confirmed.

Genome Diagnostics Laboratory, University Medical Center Utrecht
Classification: Benign. Review status: no assertion criteria provided. Collection method: clinical testing. Allele origin: germline. Affected: yes. Study: VKGL Data-share Consensus. Not counted in ClinVar's aggregate classification.

Joint Genome Diagnostic Labs from Nijmegen and Maastricht, Radboudumc and MUMC+
Classification: Benign. Review status: no assertion criteria provided. Collection method: clinical testing. Allele origin: germline. Affected: yes. Study: VKGL Data-share Consensus. Not counted in ClinVar's aggregate classification.

NM_001127222.2(CACNA1A):c.3057G>A (p.Arg1019=)

Gene: CACNA1A (calcium voltage-gated channel subunit alpha1 A; minus strand). Cytogenetic location: 19p13.13.
Variant type: single nucleotide variant.
Coding change: c.3057G>A on transcript NM_001127222.2 (MANE Select); coding-DNA position 3057, G replaced by A.
Protein change: p.Arg1019=; no amino-acid change (arginine 1019 retained).
Molecular consequence: synonymous variant.
Genome position (GRCh38, 1-based): chr19:13,298,576, C>T on the plus strand (G>A on the coding strand, the complement: CACNA1A is on the minus strand). VCF-style: chr19-13298576-C-T. GRCh37 (hg19) VCF-style: chr19-13409390-C-T.
Other names: p.Arg1020=; c.3069G>A, p.Arg1023= (NM_000068.4, NM_023035.3); c.3060G>A, p.Arg1020= (NM_001127221.2, NM_001174080.2).
Identifiers: ClinVar variation 128551 (VCV000128551.36), dbSNP rs16025, ClinGen allele CA152100.